The following is an entry in ClinVar:

NM_000719.7(CACNA1C):c.4783C>T (p.Arg1595Trp)

Gene: CACNA1C (calcium voltage-gated channel subunit alpha1 C; plus strand). Cytogenetic location: 12p13.33.
Variant type: single nucleotide variant.
Coding change: c.4783C>T on transcript NM_000719.7 (MANE Select); coding-DNA position 4783, C replaced by T.
Protein change: p.Arg1595Trp; replaces arginine 1595 with tryptophan.
Molecular consequence: missense variant.
Genome position (GRCh38, 1-based): chr12:2,674,597, C>T. VCF-style: chr12-2674597-C-T. GRCh37 (hg19) VCF-style: chr12-2783763-C-T.
Other names: c.4927C>T, p.Arg1643Trp (NM_001129827.2, NM_199460.4); c.4906C>T, p.Arg1636Trp (NM_001129829.2); c.4783C>T, p.Arg1595Trp (NM_001129830.3, NM_001129840.2, NM_001129841.2 and 4 more transcripts); c.4867C>T, p.Arg1623Trp (NM_001129831.2); c.4843C>T, p.Arg1615Trp (NM_001129832.2); c.4840C>T, p.Arg1614Trp (NM_001129833.2, NM_001129834.2, NM_001129835.2); c.4834C>T, p.Arg1612Trp (NM_001129836.2); c.4807C>T, p.Arg1603Trp (NM_001129837.2, NM_001129838.2); and 3 more; short protein forms R1612W, R1623W, R1636W, R1584W, R1592W, R1603W, R1614W, R1595W.
Identifiers: ClinVar variation 2786738 (VCV002786738.3), dbSNP rs867596743, ClinGen allele CA231604667.

ClinVar aggregate classification (germline): Uncertain significance (1 of 4 stars; one submission).

Conditions:
Long QT syndrome (LQTS). Identifiers: MedGen C0023976, MeSH D008133, MONDO:0002442. Disease mechanism: loss of function. Inheritance: Various modes of inheritance.

Allele frequency attached by ClinVar (database versions not stated): gnomAD exomes below 0.00001.
gnomAD v4.1: 1 of 1,576,906 alleles (0.000063%); no homozygotes.

Submission:

Labcorp Genetics (formerly Invitae), Labcorp
Classification: Uncertain significance for Long QT syndrome. Last evaluated: 2026-01-19. Review status: criteria provided, single submitter. Criteria: Invitae Variant Classification Sherloc (09022015). Collection method: clinical testing. Allele origin: germline.
Comment: This sequence change replaces arginine, which is basic and polar, with tryptophan, which is neutral and slightly polar, at codon 1595 of the CACNA1C protein (p.Arg1595Trp). This variant is not present in population databases (gnomAD no frequency). This variant has not been reported in the literature in individuals affected with CACNA1C-related conditions. ClinVar contains an entry for this variant (Variation ID: 2786738). Invitae Evidence Modeling of protein sequence and biophysical properties (such as structural, functional, and spatial information, amino acid conservation, physicochemical variation, residue mobility, and thermodynamic stability) indicates that this missense variant is expected to disrupt CACNA1C protein function with a positive predictive value of 95%. In summary, the available evidence is currently insufficient to determine the role of this variant in disease. Therefore, it has been classified as a Variant of Uncertain Significance.